The following is an entry in ClinVar:

ClinVar aggregate classification (germline): Uncertain significance. Review status: criteria provided, multiple submitters, no conflicts (2 of 4 stars). 3 submissions from 3 submitters: Uncertain significance (3). Last evaluated 2026-08-27.

Conditions:
Inborn genetic diseases. Identifiers: MedGen C0950123, MeSH D030342.
Nephronophthisis. Also called: Juvenile Nephronophthisis. Identifiers: Orphanet 655, MedGen C0687120, MONDO:0019005, HP:0000090.

Allele frequency attached by ClinVar (database versions not stated): TOPMed 0.00001; gnomAD exomes 0.00002 and below 0.00001; gnomAD 0.00001.
gnomAD v4.1: 35 of 1,613,774 alleles (0.0022%); highest among the groups gnomAD compares: Non-Finnish European, 0.0027%; no homozygotes.

Submissions (3):

Ambry Genetics
Classification: Uncertain significance for Inborn genetic diseases. Last evaluated: 2026-08-27. Review status: criteria provided, single submitter. Criteria: Ambry Variant Classification Scheme 2023. Collection method: clinical testing. Allele origin: germline.

Labcorp Genetics (formerly Invitae), Labcorp
Classification: Uncertain significance for Nephronophthisis. Last evaluated: 2022-08-07. Review status: criteria provided, single submitter. Criteria: Invitae Variant Classification Sherloc (09022015). Collection method: clinical testing. Allele origin: germline.
Comment: In summary, the available evidence is currently insufficient to determine the role of this variant in disease. Therefore, it has been classified as a Variant of Uncertain Significance. Algorithms developed to predict the effect of missense changes on protein structure and function are either unavailable or do not agree on the potential impact of this missense change (SIFT: "Tolerated"; PolyPhen-2: "Probably Damaging"; Align-GVGD: "Class C0"). ClinVar contains an entry for this variant (Variation ID: 501168). This variant has not been reported in the literature in individuals affected with NPHP4-related conditions. This variant is present in population databases (no rsID available, gnomAD 0.0009%). This sequence change replaces alanine, which is neutral and non-polar, with threonine, which is neutral and polar, at codon 30 of the NPHP4 protein (p.Ala30Thr).

Eurofins Ntd Llc (ga)
Classification: Uncertain significance. Last evaluated: 2017-03-30. Review status: criteria provided, single submitter. Criteria: EGL Classification Definitions 2015. Collection method: clinical testing. Allele origin: germline. Observed: 1 variant allele, 1 heterozygote.

NM_015102.5(NPHP4):c.88G>A (p.Ala30Thr)

Gene: NPHP4 (nephrocystin 4; minus strand). Cytogenetic location: 1p36.31.
Variant type: single nucleotide variant.
Coding change: c.88G>A on transcript NM_015102.5 (MANE Select); coding-DNA position 88, G replaced by A.
Protein change: p.Ala30Thr; replaces alanine 30 with threonine.
Molecular consequence: missense variant. On other transcripts: 5 prime UTR variant (1), non-coding transcript variant (1), intron variant (1).
Genome position (GRCh38, 1-based): chr1:5,986,202, C>T on the plus strand (G>A on the coding strand, the complement: NPHP4 is on the minus strand). VCF-style: chr1-5986202-C-T. GRCh37 (hg19) VCF-style: chr1-6046262-C-T.
Other names: c.-1142G>A (NM_001291593.2); c.-1088+6042G>A (NM_001291594.2); c.88G>A (NM_015102.3); short protein forms A30T.
Identifiers: ClinVar variation 501168 (VCV000501168.14), dbSNP rs1187572016, ClinGen allele CA338055040.
Genomic context (GRCh38, chr1:5,986,202, plus strand): 5'-CACATTTTGTTACCTGCCTAATTACCGGTCCGTCCAGCCACTTGAGGACACACTGGAATG[C>T]CGTGGATTCCTTCCAAGGCTGGCGCGCTCTCTGTGGGTGGGGAGGGACAAGCACGTTTTG-3'
Protein context (NP_055917.1, residues 20-40): RARQPWKEST[Ala30Thr]FQCVLKWLDG